The following is an entry in ClinVar:

ClinVar aggregate classification (germline): Uncertain significance (1 of 4 stars; one submission).

Submission:

Ambry Genetics
Classification: Uncertain significance. Last evaluated: 2026-07-05. Review status: criteria provided, single submitter. Criteria: Ambry Variant Classification Scheme 2023. Collection method: clinical testing. Allele origin: germline.
Comment: The p.S1487I variant (also known as c.4460G>T), located in coding exon 40 of the KIF1B gene, results from a G to T substitution at nucleotide position 4460. The serine at codon 1487 is replaced by isoleucine, an amino acid with dissimilar properties. This amino acid position is conserved. In addition, the in silico prediction for this alteration is inconclusive. Based on the available evidence, the clinical significance of this variant remains unclear.

NM_001365951.3(KIF1B):c.4598G>T (p.Ser1533Ile)

Gene: KIF1B (kinesin family member 1B; plus strand). Cytogenetic location: 1p36.22.
Variant type: single nucleotide variant.
Coding change: c.4598G>T on transcript NM_001365951.3 (MANE Select); coding-DNA position 4598, G replaced by T.
Protein change: p.Ser1533Ile; replaces serine 1533 with isoleucine.
Molecular consequence: missense variant.
Genome position (GRCh38, 1-based): chr1:10,365,494, G>T. VCF-style: chr1-10365494-G-T. GRCh37 (hg19) VCF-style: chr1-10425552-G-T.
Other names: c.4598G>T, p.Ser1533Ile (NM_001365952.1); c.4460G>T, p.Ser1487Ile (NM_015074.3); short protein forms S1487I, S1533I.
Identifiers: ClinVar variation 5023185 (VCV005023185.1).
Genomic context (GRCh38, chr1:10,365,494, plus strand): 5'-TGCTGCGTGAGAGACTTGGTGACAGCATCCCCAAATCCCTGAGCGACTCGTTATCCCCCA[G>T]CCTCAGCAGTGGGACCCTCAGCACCTCCACCAGTATCTCCTCTCAGATCTCAACCACTAC-3'
Protein context (NP_001352880.1, residues 1523-1543): PKSLSDSLSP[Ser1533Ile]LSSGTLSTST